The following is an entry in ClinVar:

NM_181507.2(HPS5):c.1454C>T (p.Thr485Ile)

Gene: HPS5 (HPS5 biogenesis of lysosomal organelles complex 2 subunit 2; minus strand). Cytogenetic location: 11p15.1.
Variant type: single nucleotide variant.
Coding change: c.1454C>T on transcript NM_181507.2 (MANE Select); coding-DNA position 1454, C replaced by T.
Protein change: p.Thr485Ile; replaces threonine 485 with isoleucine.
Molecular consequence: missense variant.
Genome position (GRCh38, 1-based): chr11:18,296,854, G>A on the plus strand (C>T on the coding strand, the complement: HPS5 is on the minus strand). VCF-style: chr11-18296854-G-A. GRCh37 (hg19) VCF-style: chr11-18318401-G-A.
Other names: c.1112C>T, p.Thr371Ile (NM_007216.4, NM_181508.2); short protein forms T485I, T371I.
Identifiers: ClinVar variation 1371014 (VCV001371014.4), dbSNP rs201548310, ClinGen allele CA5910139.

ClinVar aggregate classification (germline): Uncertain significance. Review status: criteria provided, multiple submitters, no conflicts (2 of 4 stars). 2 submissions from 2 submitters: Uncertain significance (2). Last evaluated 2022-10-24.

Allele frequency attached by ClinVar (database versions not stated): TOPMed below 0.00001; ExAC 0.00001; gnomAD exomes 0.00001.
gnomAD v4.1: 11 of 1,614,100 alleles (0.00068%); highest among the groups gnomAD compares: Middle Eastern, 0.033%; no homozygotes.

Submissions (2):

Labcorp Genetics (formerly Invitae), Labcorp
Classification: Uncertain significance. Last evaluated: 2022-10-24. Review status: criteria provided, single submitter. Criteria: Invitae Variant Classification Sherloc (09022015). Collection method: clinical testing. Allele origin: germline.
Comment: This sequence change replaces threonine, which is neutral and polar, with isoleucine, which is neutral and non-polar, at codon 485 of the HPS5 protein (p.Thr485Ile). This variant is present in population databases (rs201548310, gnomAD 0.003%). This variant has not been reported in the literature in individuals affected with HPS5-related conditions. ClinVar contains an entry for this variant (Variation ID: 1371014). Algorithms developed to predict the effect of missense changes on protein structure and function output the following: SIFT: "Tolerated"; PolyPhen-2: "Benign"; Align-GVGD: "Class C0". The isoleucine amino acid residue is found in multiple mammalian species, which suggests that this missense change does not adversely affect protein function. In summary, the available evidence is currently insufficient to determine the role of this variant in disease. Therefore, it has been classified as a Variant of Uncertain Significance.

GeneDx
Classification: Uncertain significance. Last evaluated: 2022-02-02. Review status: criteria provided, single submitter. Criteria: GeneDx Variant Classification Process June 2021. Collection method: clinical testing. Allele origin: germline. Affected: yes.
Comment: Has not been previously published as pathogenic or benign to our knowledge; In silico analysis supports that this missense variant does not alter protein structure/function; Not observed at significant frequency in large population cohorts (gnomAD)